The following is an entry in ClinVar:

NM_198904.4(GABRG2):c.1248_1251del (p.Cys416fs)

Gene: GABRG2 (gamma-aminobutyric acid type A receptor subunit gamma2; plus strand). Cytogenetic location: 5q34.
Variant type: Deletion.
Coding change: c.1248_1251del on transcript NM_198904.4 (MANE Select); coding-DNA positions 1248 to 1251, 4 bases deleted (TCTG; older notation c.1248_1251delTCTG).
Protein change: p.Cys416fs; shifts the reading frame from cysteine 416.
Molecular consequence: frameshift variant. On other transcripts: 3 prime UTR variant (1).
Genome position (GRCh38, 1-based): chr5:162,153,188-162,153,191, TCTG deleted; deleting any 4 consecutive bases within chr5:162,153,186-162,153,191 gives the same sequence; the c. name uses the placement nearest the transcript's 3' end. VCF-style (leftmost placement, unchanged base first): chr5-162153185-GTGTC-G. GRCh37 (hg19) VCF-style: chr5-161580191-GTGTC-G.
Other names: c.1224_1227delTCTG (NM_000816.3); c.1224_1227del, p.Cys408fs (NM_000816.3); c.1239_1242del, p.Cys413fs (NM_001375339.1); c.*82_*85del (NM_001375340.1); c.1245_1248del, p.Cys415fs (NM_001375341.1); c.1221_1224del, p.Cys407fs (NM_001375342.1); c.1344_1347del, p.Cys448fs (NM_001375343.1); c.1287_1290del, p.Cys429fs (NM_001375344.1); and 7 more; short protein forms C268fs, C276fs, C313fs, C386fs, C387fs, C394fs, C407fs, C408fs.
Identifiers: ClinVar variation 4871626 (VCV004871626.1).

ClinVar aggregate classification (germline): Pathogenic (1 of 4 stars; one submission).

Conditions:
Inborn genetic diseases. Identifiers: MedGen C0950123, MeSH D030342.

Submission:

Ambry Genetics
Classification: Pathogenic for Inborn genetic diseases. Last evaluated: 2026-06-01. Review status: criteria provided, single submitter. Criteria: Ambry Variant Classification Scheme 2023. Collection method: clinical testing. Allele origin: germline.
Comment: The c.1224_1227delTCTG (p.C408Wfs*86) alteration, located in exon 9 (coding exon 9) of the GABRG2 gene, consists of a deletion of 4 nucleotides from position 1224 to 1227, causing a translational frameshift with a predicted alternate stop codon after 86 amino acids. This variant occurs at the 3' terminus of the GABRG2 gene, is not expected to trigger nonsense-mediated mRNA decay and results in the elongation of the protein by 25 amino acids. This frameshift impacts the last 13% of the native protein. However, frameshifts are typically deleterious in nature, a significant portion of the protein is affected, and the impacted region is critical for protein function (Ambry internal data). This variant was not reported in population-based cohorts in the Genome Aggregation Database (gnomAD). Based on the available evidence, this alteration is classified as pathogenic.